The following is an entry in ClinVar:

ClinVar aggregate classification (germline): Likely pathogenic (1 of 4 stars; one submission).

Conditions:
SLC10A1-related disorder. Also called: SLC10A1-related condition.

Submission:

PreventionGenetics, part of Exact Sciences
Classification: Likely pathogenic for SLC10A1-related condition. Last evaluated: 2024-10-23. Review status: criteria provided, single submitter. Criteria: ACMG Guidelines, 2015. Collection method: clinical testing. Allele origin: germline.
Comment: The SLC10A1 c.637_638dupAG variant is predicted to result in a frameshift and premature protein termination (p.Ser213Argfs*7). To our knowledge, this variant has not been reported in the literature or in a large population database (gnomAD), indicating this variant is rare. Frameshift variants in SLC10A1 are expected to be pathogenic. This variant is interpreted as likely pathogenic.

NM_003049.4(SLC10A1):c.637_638dup (p.Ser213fs)

Gene: SLC10A1 (solute carrier family 10 member 1; minus strand). Cytogenetic location: 14q24.1.
Variant type: Microsatellite.
Coding change: c.637_638dup on transcript NM_003049.4 (MANE Select); coding-DNA positions 637 to 638, 2 bases duplicated (AG; older notation c.637_638dupAG).
Protein change: p.Ser213fs; shifts the reading frame from serine 213.
Molecular consequence: frameshift variant.
Genome position (GRCh38, 1-based): chr14:69,779,290-69,779,291, CT duplicated on the plus strand (AG on the coding strand, the reverse complement: SLC10A1 is on the minus strand); duplicating any 2 consecutive bases within chr14:69,779,290-69,779,293 gives the same sequence; the c. name uses the placement nearest the transcript's 3' end. VCF-style (leftmost placement, unchanged base first): chr14-69779289-G-GCT. GRCh37 (hg19) VCF-style: chr14-70246006-G-GCT.
Other names: short protein forms S213fs.
Identifiers: ClinVar variation 4982458 (VCV004982458.1).